The following is an entry in ClinVar:

ClinVar aggregate classification (germline): Uncertain significance. Review status: criteria provided, multiple submitters, no conflicts (2 of 4 stars). 2 submissions from 2 submitters: Uncertain significance (2). Last evaluated 2025-09-23.

Conditions:
Hereditary cancer-predisposing syndrome. Also called: Tumor predisposition; Hereditary neoplastic syndrome; Neoplastic Syndromes, Hereditary; Hereditary Cancer Syndrome. Identifiers: Orphanet 140162, MedGen C0027672, MeSH D009386, MONDO:0015356.

Allele frequency attached by ClinVar (database versions not stated): gnomAD exomes below 0.00001.
gnomAD v4.1: 1 of 1,594,810 alleles (0.000063%); highest among the groups gnomAD compares: Non-Finnish European, 0.000085%; no homozygotes.

Submissions (2):

Labcorp Genetics (formerly Invitae), Labcorp
Classification: Uncertain significance. Last evaluated: 2025-09-23. Review status: criteria provided, single submitter. Criteria: Invitae Variant Classification Sherloc (09022015). Collection method: clinical testing. Allele origin: germline.
Comment: This sequence change replaces valine, which is neutral and non-polar, with isoleucine, which is neutral and non-polar, at codon 572 of the CTNNA1 protein (p.Val572Ile). This variant is not present in population databases (gnomAD no frequency). This variant has not been reported in the literature in individuals affected with CTNNA1-related conditions. ClinVar contains an entry for this variant (Variation ID: 1010505). Invitae Evidence Modeling of protein sequence and biophysical properties (such as structural, functional, and spatial information, amino acid conservation, physicochemical variation, residue mobility, and thermodynamic stability) indicates that this missense variant is not expected to disrupt CTNNA1 protein function with a negative predictive value of 80%. In summary, the available evidence is currently insufficient to determine the role of this variant in disease. Therefore, it has been classified as a Variant of Uncertain Significance.

Ambry Genetics
Classification: Uncertain significance for Hereditary cancer-predisposing syndrome. Last evaluated: 2025-09-06. Review status: criteria provided, single submitter. Criteria: Ambry Variant Classification Scheme 2023. Collection method: clinical testing. Allele origin: germline.
Comment: The p.V572I variant (also known as c.1714G>A), located in coding exon 11 of the CTNNA1 gene, results from a G to A substitution at nucleotide position 1714. The valine at codon 572 is replaced by isoleucine, an amino acid with highly similar properties. This amino acid position is conserved. In addition, this alteration is predicted to be tolerated by in silico analysis. Since supporting evidence is limited at this time, the clinical significance of this alteration remains unclear.

NM_001903.5(CTNNA1):c.1714G>A (p.Val572Ile)

Gene: CTNNA1 (catenin alpha 1; plus strand). Cytogenetic location: 5q31.2.
Variant type: single nucleotide variant.
Coding change: c.1714G>A on transcript NM_001903.5 (MANE Select); coding-DNA position 1714, G replaced by A.
Protein change: p.Val572Ile; replaces valine 572 with isoleucine.
Molecular consequence: missense variant.
Genome position (GRCh38, 1-based): chr5:138,924,677, G>A. VCF-style: chr5-138924677-G-A. GRCh37 (hg19) VCF-style: chr5-138260366-G-A.
Other names: c.1714G>A, p.Val572Ile (NM_001290307.3, NM_001323982.2, NM_001323983.1 and 2 more transcripts); c.1405G>A, p.Val469Ile (NM_001290309.3); c.1345G>A, p.Val449Ile (NM_001290310.3); c.604G>A, p.Val202Ile (NM_001290312.1, NM_001323987.1, NM_001323988.1 and 17 more transcripts); c.1621G>A, p.Val541Ile (NM_001323986.2); c.265G>A, p.Val89Ile (NM_001324006.1, NM_001324007.1, NM_001324008.1 and 2 more transcripts); c.511G>A, p.Val171Ile (NM_001324011.1); c.361G>A, p.Val121Ile (NM_001324012.1, NM_001324013.1); and 1 more; short protein forms V121I, V171I, V202I, V449I, V469I, V541I, V572I, V89I.
Identifiers: ClinVar variation 1010505 (VCV001010505.11), dbSNP rs1763626572, ClinGen allele CA361132036.